The following is an entry in ClinVar:

NM_000891.3(KCNJ2):c.1067G>T (p.Cys356Phe)

Gene: KCNJ2 (potassium inwardly rectifying channel subfamily J member 2; plus strand). Cytogenetic location: 17q24.3.
Variant type: single nucleotide variant.
Coding change: c.1067G>T on transcript NM_000891.3 (MANE Select); coding-DNA position 1067, G replaced by T.
Protein change: p.Cys356Phe; replaces cysteine 356 with phenylalanine.
Molecular consequence: missense variant.
Genome position (GRCh38, 1-based): chr17:70,176,106, G>T. VCF-style: chr17-70176106-G-T. GRCh37 (hg19) VCF-style: chr17-68172247-G-T.
Other names: short protein forms C356F.
Identifiers: ClinVar variation 658326 (VCV000658326.12), dbSNP rs368406938, ClinGen allele CA293702931.
Genomic context (GRCh38, chr17:70,176,106, plus strand): 5'-ACTACAAAGTGGACTATTCCAGGTTCCACAAAACTTACGAAGTCCCCAACACTCCCCTTT[G>T]TAGTGCCAGAGACTTAGCAGAAAAGAAATATATCCTCTCAAATGCAAATTCATTTTGCTA-3'
Protein context (NP_000882.1, residues 346-366): KTYEVPNTPL[Cys356Phe]SARDLAEKKY

ClinVar aggregate classification (germline): Uncertain significance. Review status: criteria provided, multiple submitters, no conflicts (2 of 4 stars). 5 submissions from 5 submitters: Uncertain significance (5). Last evaluated 2026-07-28.

Conditions:
Andersen Tawil syndrome (LQT7). Also called: LONG QT SYNDROME 7; Potassium-sensitive periodic paralysis, ventricular ectopy, and dysmorphic features; PERIODIC PARALYSIS, POTASSIUM-SENSITIVE CARDIODYSRHYTHMIC TYPE; ANDERSEN CARDIODYSRHYTHMIC PERIODIC PARALYSIS; Andersen Syndrome. Identifiers: Orphanet 37553, MedGen C1563715, MONDO:0008222, OMIM 170390.
Short QT syndrome type 3. Identifiers: Orphanet 51083, MedGen C1865018, MONDO:0012314, OMIM 609622.
Cardiovascular phenotype. Identifiers: MedGen CN230736.
Short QT syndrome. Also called: Familial short QT syndrome. Identifiers: Orphanet 51083, MedGen C2348199, MONDO:0000453.

Allele frequency attached by ClinVar (database versions not stated): gnomAD exomes below 0.00001 and 0.00001; TOPMed 0.00001; ESP Exome Variant Server 0.00008.

Submissions (5):

Ambry Genetics
Classification: Uncertain significance for Cardiovascular phenotype. Last evaluated: 2026-07-28. Review status: criteria provided, single submitter. Criteria: Ambry Variant Classification Scheme 2023. Collection method: clinical testing. Allele origin: germline.

Molecular Genetics, Royal Melbourne Hospital
Classification: Uncertain significance for Short QT syndrome. Last evaluated: 2024-05-02. Review status: criteria provided, single submitter. Criteria: ACMG Guidelines, 2015. Collection method: clinical testing. Allele origin: germline. Inheritance: Autosomal dominant inheritance.
Comment: This sequence change in KCNJ2 is predicted to replace cysteine with phenylalanine at codon 356, p.(Cys356Phe). The cysteine residue is highly conserved (100 vertebrates, Multiz Alignments), and is located in the C-terminal domain. There is a large physicochemical difference between cysteine and phenylalanine. The highest population minor allele frequency in the population database gnomAD v4.0 is 0.001% (17/1,180,026 alleles) in the European (non-Finnish) population. To our knowledge, this variant has not been previously reported in the relevant scientific literature. Computational evidence predicts a deleterious effect for the missense substitution (REVEL = 0.898). Based on the classification scheme RMH Modified ACMG/AMP Guidelines v1.6.1, this variant is classified as a VARIANT OF UNCERTAIN SIGNIFICANCE. Following criteria are met: PP3

GeneDx
Classification: Uncertain significance. Last evaluated: 2024-04-16. Review status: criteria provided, single submitter. Criteria: GeneDx Variant Classification Process June 2021. Collection method: clinical testing. Allele origin: germline. Affected: yes.
Comment: Has not been previously published as pathogenic or benign to our knowledge; Not observed at significant frequency in large population cohorts (gnomAD); In silico analysis supports that this missense variant has a deleterious effect on protein structure/function

Labcorp Genetics (formerly Invitae), Labcorp
Classification: Uncertain significance for Short QT syndrome type 3; Andersen Tawil syndrome. Last evaluated: 2024-02-05. Review status: criteria provided, single submitter. Criteria: Invitae Variant Classification Sherloc (09022015). Collection method: clinical testing. Allele origin: germline.
Comment: This sequence change replaces cysteine, which is neutral and slightly polar, with phenylalanine, which is neutral and non-polar, at codon 356 of the KCNJ2 protein (p.Cys356Phe). This variant is present in population databases (rs368406938, gnomAD 0.0009%). This variant has not been reported in the literature in individuals affected with KCNJ2-related conditions. ClinVar contains an entry for this variant (Variation ID: 658326). Advanced modeling of protein sequence and biophysical properties (such as structural, functional, and spatial information, amino acid conservation, physicochemical variation, residue mobility, and thermodynamic stability) has been performed at Invitae for this missense variant, however the output from this modeling did not meet the statistical confidence thresholds required to predict the impact of this variant on KCNJ2 protein function. In summary, the available evidence is currently insufficient to determine the role of this variant in disease. Therefore, it has been classified as a Variant of Uncertain Significance.

Blueprint Genetics
Classification: Uncertain significance. Last evaluated: 2022-12-05. Review status: criteria provided, single submitter. Criteria: ACMG Guidelines, 2015. Collection method: clinical testing. Allele origin: germline.